The following is an entry in ClinVar:

ClinVar aggregate classification (germline): Pathogenic. Review status: criteria provided, multiple submitters, no conflicts (2 of 4 stars). 4 submissions from 4 submitters: Pathogenic (4). Last evaluated 2024-12-03.

Conditions:
Hereditary cancer-predisposing syndrome. Also called: Tumor predisposition; Hereditary Cancer Syndrome; Hereditary neoplastic syndrome; Neoplastic Syndromes, Hereditary. Identifiers: Orphanet 140162, MedGen C0027672, MeSH D009386, MONDO:0015356.
Familial cancer of breast. Also called: BREAST CANCER, FAMILIAL; hereditary breast carcinoma; Hereditary breast cancer. Identifiers: Orphanet 227535, MedGen C0346153, MONDO:0016419, OMIM 114480. Disease mechanism: loss of function.
Ataxia-telangiectasia syndrome (AT). Also called: LOUIS-BAR SYNDROME; Cerebello-oculocutaneous telangiectasia; Immunodeficiency with ataxia telangiectasia; ATAXIA-TELANGIECTASIA, COMPLEMENTATION GROUP A; ATAXIA-TELANGIECTASIA, FRESNO VARIANT; Ataxia-telangiectasia. Identifiers: Orphanet 100, MedGen C0004135, MONDO:0008840, OMIM 208900.

gnomAD v4.1: 1 of 1,611,956 alleles (0.000062%); highest among the groups gnomAD compares: Non-Finnish European, 0.000085%; no homozygotes.

Submissions (4):

Labcorp Genetics (formerly Invitae), Labcorp
Classification: Pathogenic for Ataxia-telangiectasia syndrome. Last evaluated: 2024-12-03. Review status: criteria provided, single submitter. Criteria: Invitae Variant Classification Sherloc (09022015). Collection method: clinical testing. Allele origin: germline.
Comment: This sequence change creates a premature translational stop signal (p.Gly1102*) in the ATM gene. It is expected to result in an absent or disrupted protein product. Loss-of-function variants in ATM are known to be pathogenic (PMID: 23807571, 25614872). This variant is not present in population databases (gnomAD no frequency). This premature translational stop signal has been observed in individual(s) with breast cancer (PMID: 26681312). ClinVar contains an entry for this variant (Variation ID: 181947). For these reasons, this variant has been classified as Pathogenic.

Ambry Genetics
Classification: Pathogenic for Hereditary cancer-predisposing syndrome. Last evaluated: 2024-04-19. Review status: criteria provided, single submitter. Criteria: Ambry Variant Classification Scheme 2023. Collection method: clinical testing. Allele origin: germline.
Comment: The p.G1102* pathogenic mutation (also known as c.3304G>T), located in coding exon 22 of the ATM gene, results from a G to T substitution at nucleotide position 3304. This changes the amino acid from a glycine to a stop codon within coding exon 22. This variant is considered to be rare based on population cohorts in the Genome Aggregation Database (gnomAD). This alteration is expected to result in loss of function by premature protein truncation or nonsense-mediated mRNA decay. As such, this alteration is interpreted as a disease-causing mutation.

Myriad Genetics, Inc.
Classification: Pathogenic for Familial cancer of breast. Last evaluated: 2024-01-19. Review status: criteria provided, single submitter. Criteria: Myriad Autosomal Dominant, Autosomal Recessive and X-Linked Classification Criteria (2023). Collection method: clinical testing. Allele origin: unknown.
Comment: This variant is considered pathogenic. This variant creates a termination codon and is predicted to result in premature protein truncation.

GeneDx
Classification: Pathogenic. Last evaluated: 2014-05-01. Review status: criteria provided, single submitter. Criteria: GeneDx Variant Classification (06012015). Collection method: clinical testing. Allele origin: germline. Affected: yes.
Comment: This pathogenic variant is denoted ATM c.3304G>T at the cDNA level and p.Gly1102Ter (G1102X) at the protein level. The substitution creates a nonsense variant, changing a Glycine to a premature stop codon (GGA>TGA). This variant is predicted to cause loss of normal protein function through either protein truncation or nonsense-mediated mRNA decay. This variant has not, to our knowledge, been published in the literature.

Literature cited by the submitters: PubMed 23807571 (cited by Labcorp Genetics (formerly Invitae), Labcorp); PubMed 25614872 (cited by Labcorp Genetics (formerly Invitae), Labcorp); PubMed 26681312 (cited by Labcorp Genetics (formerly Invitae), Labcorp).

NM_000051.4(ATM):c.3304G>T (p.Gly1102Ter)

Gene: ATM (ATM serine/threonine kinase; plus strand). Cytogenetic location: 11q22.3.
Variant type: single nucleotide variant.
Coding change: c.3304G>T on transcript NM_000051.4 (MANE Select); coding-DNA position 3304, G replaced by T.
Protein change: p.Gly1102Ter; replaces glycine 1102 with a stop codon.
Molecular consequence: nonsense.
Genome position (GRCh38, 1-based): chr11:108,279,510, G>T. VCF-style: chr11-108279510-G-T. GRCh37 (hg19) VCF-style: chr11-108150237-G-T.
Other names: p.G1102*:GGA>TGA; c.3304G>T, p.Gly1102Ter (NM_001351834.2); short protein forms G1102*.
Identifiers: ClinVar variation 181947 (VCV000181947.16), dbSNP rs147557621, ClinGen allele CA298219.